The following is an entry in ClinVar:

NM_001267550.2(TTN):c.20653G>A (p.Val6885Ile)

Gene: TTN (titin; minus strand). Cytogenetic location: 2q31.2.
Variant type: single nucleotide variant.
Coding change: c.20653G>A on transcript NM_001267550.2 (MANE Select); coding-DNA position 20653, G replaced by A.
Protein change: p.Val6885Ile; replaces valine 6885 with isoleucine.
Molecular consequence: missense variant. On other transcripts: intron variant (3).
Genome position (GRCh38, 1-based): chr2:178,725,551, C>T on the plus strand (G>A on the coding strand, the complement: TTN is on the minus strand). VCF-style: chr2-178725551-C-T. GRCh37 (hg19) VCF-style: chr2-179590278-C-T.
Other names: c.19702G>A, p.Val6568Ile (NM_001256850.1); c.16921G>A, p.Val5641Ile (NM_133378.4); c.13282+12531G>A (NM_003319.4); c.13858+12531G>A (NM_133437.4); c.13657+12531G>A (NM_133432.3); short protein forms V5641I, V6568I, V6885I.
Identifiers: ClinVar variation 4526921 (VCV004526921.1).

ClinVar aggregate classification (germline): Uncertain significance (1 of 4 stars; one submission).

gnomAD v4.1: 1 of 1,612,802 alleles (0.000062%); highest among the groups gnomAD compares: African/African-American, 0.0013%; no homozygotes.

Submission:

GeneDx
Classification: Uncertain significance. Last evaluated: 2025-04-22. Review status: criteria provided, single submitter. Criteria: GeneDx Variant Classification Process June 2021. Collection method: clinical testing. Allele origin: germline. Affected: yes.
Comment: Not observed at significant frequency in large population cohorts (gnomAD); Missense variant in a gene in which most reported pathogenic variants are truncating/loss of function; Has not been previously published as pathogenic or benign to our knowledge